The following is an entry in ClinVar:

ClinVar aggregate classification (germline): Pathogenic (1 of 4 stars; one submission).

Conditions:
Hypertrophic cardiomyopathy. Also called: HYPERTROPHIC MYOCARDIOPATHY. Identifiers: Orphanet 217569, MedGen C0007194, MeSH D002312, MONDO:0005045, HP:0001639.

Submission:

Labcorp Genetics (formerly Invitae), Labcorp
Classification: Pathogenic for Hypertrophic cardiomyopathy. Last evaluated: 2022-12-25. Review status: criteria provided, single submitter. Criteria: Invitae Variant Classification Sherloc (09022015). Collection method: clinical testing. Allele origin: germline.
Comment: For these reasons, this variant has been classified as Pathogenic. This variant has not been reported in the literature in individuals affected with MYBPC3-related conditions. This variant is not present in population databases (gnomAD no frequency). This sequence change creates a premature translational stop signal (p.Arg1121Profs*28) in the MYBPC3 gene. It is expected to result in an absent or disrupted protein product. Loss-of-function variants in MYBPC3 are known to be pathogenic (PMID: 19574547).

Literature cited by the submitters: PubMed 19574547.

NM_000256.3(MYBPC3):c.3359dup (p.Arg1121fs)

Gene: MYBPC3 (myosin binding protein C3; minus strand). Cytogenetic location: 11p11.2.
Variant type: Duplication.
Coding change: c.3359dup on transcript NM_000256.3 (MANE Select); coding-DNA position 3359, one base duplicated (G; older notation c.3359dupG).
Protein change: p.Arg1121fs; shifts the reading frame from arginine 1121.
Molecular consequence: frameshift variant.
Genome position (GRCh38, 1-based): chr11:47,332,945, C duplicated on the plus strand (G on the coding strand, the reverse complement: MYBPC3 is on the minus strand). VCF-style (leftmost placement, unchanged base first): chr11-47332944-G-GC. GRCh37 (hg19) VCF-style: chr11-47354495-G-GC.
Other names: short protein forms R1121fs.
Identifiers: ClinVar variation 2823987 (VCV002823987.3), dbSNP rs2495738884, ClinGen allele CA2739270415.